The following is an entry in ClinVar:

NM_001130009.3(GEN1):c.1145A>C (p.Tyr382Ser)

Gene: GEN1 (GEN1 structure-specific endonuclease; plus strand). Cytogenetic location: 2p24.2.
Variant type: single nucleotide variant.
Coding change: c.1145A>C on transcript NM_001130009.3 (MANE Select); coding-DNA position 1145, A replaced by C.
Protein change: p.Tyr382Ser; replaces tyrosine 382 with serine.
Molecular consequence: missense variant.
Genome position (GRCh38, 1-based): chr2:17,774,344, A>C. VCF-style: chr2-17774344-A-C. GRCh37 (hg19) VCF-style: chr2-17955611-A-C.
Other names: c.1145A>C, p.Tyr382Ser (NM_182625.5); short protein forms Y382S.
Identifiers: ClinVar variation 4844969 (VCV004844969.1).

ClinVar aggregate classification (germline): Uncertain significance (1 of 4 stars; one submission).

Submission:

Ambry Genetics
Classification: Uncertain significance. Last evaluated: 2026-01-23. Review status: criteria provided, single submitter. Criteria: Ambry Variant Classification Scheme 2023. Collection method: clinical testing. Allele origin: germline.
Comment: The p.Y382S variant (also known as c.1145A>C), located in coding exon 10 of the GEN1 gene, results from an A to C substitution at nucleotide position 1145. The tyrosine at codon 382 is replaced by serine, an amino acid with dissimilar properties. This amino acid position is conserved. In addition, this alteration is predicted to be tolerated by in silico analysis. Based on the available evidence, the clinical significance of this variant remains unclear.